The following is an entry in ClinVar:

ClinVar aggregate classification (germline): Uncertain significance (1 of 4 stars; one submission).

Conditions:
Early-infantile DEE. Also called: Ohtahara syndrome; Early infantile epileptic encephalopathy with suppression bursts; Early infantile epileptic encephalopathy. Identifiers: Orphanet 1934, MedGen C0393706, MONDO:0800491.

Allele frequency attached by ClinVar (database versions not stated): gnomAD exomes below 0.00001.
gnomAD v4.1: 5 of 1,602,340 alleles (0.00031%); highest among the groups gnomAD compares: East Asian, 0.0022%; no homozygotes.

Submission:

Labcorp Genetics (formerly Invitae), Labcorp
Classification: Uncertain significance for Early-infantile DEE. Last evaluated: 2022-10-16. Review status: criteria provided, single submitter. Criteria: Invitae Variant Classification Sherloc (09022015). Collection method: clinical testing. Allele origin: germline.
Comment: In summary, the available evidence is currently insufficient to determine the role of this variant in disease. Therefore, it has been classified as a Variant of Uncertain Significance. Advanced modeling of protein sequence and biophysical properties (such as structural, functional, and spatial information, amino acid conservation, physicochemical variation, residue mobility, and thermodynamic stability) performed at Invitae indicates that this missense variant is not expected to disrupt SCN8A protein function. This variant has not been reported in the literature in individuals affected with SCN8A-related conditions. This variant is not present in population databases (gnomAD no frequency). This sequence change replaces lysine, which is basic and polar, with arginine, which is basic and polar, at codon 527 of the SCN8A protein (p.Lys527Arg).

NM_001330260.2(SCN8A):c.1580A>G (p.Lys527Arg)

Gene: SCN8A (sodium voltage-gated channel alpha subunit 8; plus strand). Cytogenetic location: 12q13.13.
Variant type: single nucleotide variant.
Coding change: c.1580A>G on transcript NM_001330260.2 (MANE Select); coding-DNA position 1580, A replaced by G.
Protein change: p.Lys527Arg; replaces lysine 527 with arginine.
Molecular consequence: missense variant.
Genome position (GRCh38, 1-based): chr12:51,706,660, A>G. VCF-style: chr12-51706660-A-G. GRCh37 (hg19) VCF-style: chr12-52100444-A-G.
Other names: c.1580A>G, p.Lys527Arg (NM_001177984.3, NM_001369788.1, NM_014191.4); short protein forms K527R.
Identifiers: ClinVar variation 2157522 (VCV002157522.4), dbSNP rs2540186398, ClinGen allele CA385229124.